The following is an entry in ClinVar:

ClinVar aggregate classification (germline): Uncertain significance (1 of 4 stars; one submission).

Conditions:
Familial adenomatous polyposis 1 (FAP1). Also called: FAMILIAL ADENOMATOUS POLYPOSIS 1, ATTENUATED; POLYPOSIS, ADENOMATOUS INTESTINAL. Identifiers: MedGen C2713442, MONDO:0021056, OMIM 175100. Disease mechanism: loss of function.

Allele frequency attached by ClinVar (database versions not stated): TOPMed 0.00001.
gnomAD v4.1: 1 of 1,370,394 alleles (0.000073%); highest among the groups gnomAD compares: Non-Finnish European, 0.000096%; no homozygotes.

Submission:

Labcorp Genetics (formerly Invitae), Labcorp
Classification: Uncertain significance for Familial adenomatous polyposis 1. Last evaluated: 2026-01-12. Review status: criteria provided, single submitter. Criteria: Invitae Variant Classification Sherloc (09022015). Collection method: clinical testing. Allele origin: germline.
Comment: This variant occurs in a non-coding region of the APC gene. It does not change the encoded amino acid sequence of the APC protein. This variant is not present in population databases (gnomAD no frequency). This variant has not been reported in the literature in individuals affected with APC-related conditions. Experimental studies and prediction algorithms are not available or were not evaluated, and the functional significance of this variant is currently unknown. In summary, the available evidence is currently insufficient to determine the role of this variant in disease. Therefore, it has been classified as a Variant of Uncertain Significance.

NM_001127511.3(APC):c.-35G>C

Gene: APC (APC regulator of Wnt signaling pathway; plus strand). Cytogenetic location: 5q22.2.
Variant type: single nucleotide variant.
Coding change: c.-35G>C on transcript NM_001127511.3; 35 bases upstream of the start codon, G replaced by C.
Molecular consequence: 5 prime UTR variant. On other transcripts: non-coding transcript variant (1), intron variant (5).
Genome position (GRCh38, 1-based): chr5:112,707,683, G>C. VCF-style: chr5-112707683-G-C. GRCh37 (hg19) VCF-style: chr5-112043380-G-C.
Other names: c.-218G>C (NM_001407460.1, NM_001407469.1, NM_001354895.2 and 3 more transcripts); c.-1253G>C (NM_001407470.1, NM_001407472.1); c.-19+34G>C (NM_001407448.1, NM_001407450.1, NM_001407457.1 and 1 more transcripts); c.-43+34G>C (NM_001407453.1); c.-35G>C (NM_001354897.2, NM_001354902.2, NM_001407446.1).
Identifiers: ClinVar variation 1062091 (VCV001062091.7), dbSNP rs1199369770, ClinGen allele CA802057251.